The following is an entry in ClinVar:

ClinVar aggregate classification (germline): Uncertain significance (1 of 4 stars; one submission).

gnomAD v4.1: 3 of 1,609,422 alleles (0.00019%); highest among the groups gnomAD compares: Non-Finnish European, 0.00017%; no homozygotes.

Submission:

Labcorp Genetics (formerly Invitae), Labcorp
Classification: Uncertain significance. Last evaluated: 2025-03-25. Review status: criteria provided, single submitter. Criteria: Invitae Variant Classification Sherloc (09022015). Collection method: clinical testing. Allele origin: germline.
Comment: This sequence change replaces leucine, which is neutral and non-polar, with serine, which is neutral and polar, at codon 404 of the RNF31 protein (p.Leu404Ser). This variant is not present in population databases (gnomAD no frequency). This variant has not been reported in the literature in individuals affected with RNF31-related conditions. An algorithm developed to predict the effect of missense changes on protein structure and function (PolyPhen-2) suggests that this variant is likely to be tolerated. In summary, the available evidence is currently insufficient to determine the role of this variant in disease. Therefore, it has been classified as a Variant of Uncertain Significance.

NM_017999.5(RNF31):c.1211T>C (p.Leu404Ser)

Gene: RNF31 (ring finger protein 31; plus strand). Cytogenetic location: 14q12.
Variant type: single nucleotide variant.
Coding change: c.1211T>C on transcript NM_017999.5 (MANE Select); coding-DNA position 1211, T replaced by C.
Protein change: p.Leu404Ser; replaces leucine 404 with serine.
Molecular consequence: missense variant.
Genome position (GRCh38, 1-based): chr14:24,150,611, T>C. VCF-style: chr14-24150611-T-C. GRCh37 (hg19) VCF-style: chr14-24619820-T-C.
Other names: c.758T>C, p.Leu253Ser (NM_001310332.2); short protein forms L253S, L404S.
Identifiers: ClinVar variation 4715965 (VCV004715965.1).